The following is an entry in ClinVar:

NM_004336.5(BUB1):c.1981A>G (p.Ser661Gly)

Gene: BUB1 (BUB1 mitotic checkpoint serine/threonine kinase; minus strand). Cytogenetic location: 2q13.
Variant type: single nucleotide variant.
Coding change: c.1981A>G on transcript NM_004336.5 (MANE Select); coding-DNA position 1981, A replaced by G.
Protein change: p.Ser661Gly; replaces serine 661 with glycine.
Molecular consequence: missense variant.
Genome position (GRCh38, 1-based): chr2:110,650,768, T>C on the plus strand (A>G on the coding strand, the complement: BUB1 is on the minus strand). VCF-style: chr2-110650768-T-C. GRCh37 (hg19) VCF-style: chr2-111408345-T-C.
Other names: c.1921A>G, p.Ser641Gly (NM_001278616.2); c.1981A>G, p.Ser661Gly (NM_001278617.2); short protein forms S661G, S641G.
Identifiers: ClinVar variation 2593899 (VCV002593899.6), dbSNP rs933742158, ClinGen allele CA53529112.

ClinVar aggregate classification (germline): Uncertain significance. Review status: criteria provided, multiple submitters, no conflicts (2 of 4 stars). 2 submissions from 2 submitters: Uncertain significance (2). Last evaluated 2025-10-29.

Allele frequency attached by ClinVar (database versions not stated): gnomAD exomes below 0.00001; TOPMed 0.00001.

Submissions (2):

Ambry Genetics
Classification: Uncertain significance. Last evaluated: 2025-10-29. Review status: criteria provided, single submitter. Criteria: Ambry Variant Classification Scheme 2023. Collection method: clinical testing. Allele origin: germline.

Labcorp Genetics (formerly Invitae), Labcorp
Classification: Uncertain significance. Last evaluated: 2024-01-02. Review status: criteria provided, single submitter. Criteria: Invitae Variant Classification Sherloc (09022015). Collection method: clinical testing. Allele origin: germline.
Comment: This sequence change replaces serine, which is neutral and polar, with glycine, which is neutral and non-polar, at codon 661 of the BUB1 protein (p.Ser661Gly). This variant is present in population databases (no rsID available, gnomAD 0.007%). This variant has not been reported in the literature in individuals affected with BUB1-related conditions. ClinVar contains an entry for this variant (Variation ID: 2593899). Experimental studies and prediction algorithms are not available or were not evaluated, and the functional significance of this variant is currently unknown. In summary, the available evidence is currently insufficient to determine the role of this variant in disease. Therefore, it has been classified as a Variant of Uncertain Significance.